The following is an entry in ClinVar:

ClinVar aggregate classification (germline): Likely pathogenic (1 of 4 stars; one submission).

Conditions:
DPAGT1-congenital disorder of glycosylation. Also called: DPAGT1-CDG; CONGENITAL DISORDER OF GLYCOSYLATION, TYPE Ij; CDG Ij. Identifiers: Orphanet 86309, MedGen C2931004, MONDO:0011964, OMIM 608093.

Submission:

Institute of Medical Genetics and Genomics, Sir Ganga Ram Hospital
Classification: Likely pathogenic for DPAGT1-congenital disorder of glycosylation. Last evaluated: 2023-06-28. Review status: criteria provided, single submitter. Criteria: ACMG Guidelines, 2015. Collection method: clinical testing. Allele origin: inherited. Inheritance: Autosomal recessive inheritance. Affected: yes. Observed: 1 compound heterozygote.
Comment: This variant has not been found in gnomAD (aggregated) (PM2_moderate). DPAGT1 has low rate of benign missense variants with 22 reported pathogenic missense variants (PP2_supporting). Isoelectric focusing confirms the abnormal pattern of transferrin isoform with reduced tetrasialotransferrin and increased diasialotransferrin (PP5_supporting)..

NM_001382.4(DPAGT1):c.160A>T (p.Ile54Phe)

Genes: DPAGT1 (dolichyl-phosphate N-acetylglucosaminephosphotransferase 1; minus strand), LOC126861360 (BRD4-independent group 4 enhancer GRCh37_chr11:118972216-118973415; plus strand). Cytogenetic location: 11q23.3.
Variant type: single nucleotide variant.
Coding change: c.160A>T on transcript NM_001382.4 (MANE Select); coding-DNA position 160, A replaced by T.
Protein change: p.Ile54Phe; replaces isoleucine 54 with phenylalanine.
Molecular consequence: missense variant.
Genome position (GRCh38, 1-based): chr11:119,101,496, T>A on the plus strand (A>T on the coding strand, the complement: DPAGT1 is on the minus strand). VCF-style: chr11-119101496-T-A. GRCh37 (hg19) VCF-style: chr11-118972206-T-A.
Other names: short protein forms I54F.
Identifiers: ClinVar variation 2506955 (VCV002506955.2), dbSNP rs2497528475, ClinGen allele CA382916272.
Genomic context (GRCh38, chr11:119,101,496, plus strand): 5'-CCCTAGCCACTCCTTCCTTAGCCCTTGCCCCCTGCCCGGACCCGTGTGCCGCTGCTCACA[T>A]CTGCTGTCGGCTGGTTTTGTTGAGGTCCTGACCACAGAGGCGCGCAGCAATGAAGTGGCC-3'
Protein context (NP_001373.2, residues 44-64): QDLNKTSRQQ[Ile54Phe]PESQGVISGA